The following is an entry in ClinVar:

NM_145886.4(PIDD1):c.2044C>T (p.Arg682Cys)

Gene: PIDD1 (p53-induced death domain protein 1; minus strand). Cytogenetic location: 11p15.5.
Variant type: single nucleotide variant.
Coding change: c.2044C>T on transcript NM_145886.4 (MANE Select); coding-DNA position 2044, C replaced by T.
Protein change: p.Arg682Cys; replaces arginine 682 with cysteine.
Molecular consequence: missense variant.
Genome position (GRCh38, 1-based): chr11:800,449, G>A on the plus strand (C>T on the coding strand, the complement: PIDD1 is on the minus strand). VCF-style: chr11-800449-G-A. GRCh37 (hg19) VCF-style: chr11-800449-G-A.
Other names: c.2044C>T, p.Arg682Cys (NM_145887.4); c.2044C>T (NM_145886.3); short protein forms R682C.
Identifiers: ClinVar variation 2664234 (VCV002664234.3), dbSNP rs200290640, ClinGen allele CA5789735.

ClinVar aggregate classification (germline): Conflicting classifications of pathogenicity. Review status: criteria provided, conflicting classifications (1 of 4 stars). 3 submissions from 3 submitters: Uncertain significance (2); Likely benign (1). Last evaluated 2025-01-11.

Conditions:
Intellectual developmental disorder, autosomal recessive 75, with neuropsychiatric features and variant lissencephaly (MRT75). Identifiers: MedGen C5676961, MONDO:0030785, OMIM 619827.
PIDD1-related disorder. Also called: PIDD1-related condition.
Developmental and epileptic encephalopathy, 3 (DEE3). Also called: Epileptic encephalopathy, early infantile, 3. Identifiers: MedGen C5574665, MONDO:0012245, OMIM 609304.

Allele frequency attached by ClinVar (database versions not stated): gnomAD 0.00007; ExAC 0.00011.

Submissions (3):

PreventionGenetics, part of Exact Sciences
Classification: Uncertain significance for PIDD1-related condition. Last evaluated: 2025-01-11. Review status: criteria provided, single submitter. Criteria: ACMG Guidelines, 2015. Collection method: clinical testing. Allele origin: germline.
Comment: The PIDD1 c.2044C>T variant is predicted to result in the amino acid substitution p.Arg682Cys. To our knowledge, this variant has not been reported in the literature. This variant is reported in 0.022% of alleles in individuals of South Asian descent in gnomAD. At this time, the clinical significance of this variant is uncertain due to the absence of conclusive functional and genetic evidence.

3billion
Classification: Likely benign for Intellectual developmental disorder, autosomal recessive 75, with neuropsychiatric features and variant lissencephaly; Developmental and epileptic encephalopathy, 3. Last evaluated: 2024-09-20. Review status: criteria provided, single submitter. Criteria: ACMG Guidelines, 2015. Collection method: clinical testing. Allele origin: germline. Affected: no.
Comment: The homozygous variant was found in patients diagnosed with another variant in a different gene, with no symptoms related to the gene containing the homozygous variant.

Neuberg Centre For Genomic Medicine, NCGM
Classification: Uncertain significance for Intellectual developmental disorder, autosomal recessive 75, with neuropsychiatric features and variant lissencephaly. Review status: criteria provided, single submitter. Criteria: ACMG Guidelines, 2015. Collection method: clinical testing. Allele origin: germline. Inheritance: Autosomal recessive inheritance. Affected: yes.
Comment: The missense c.2044C>T(p.Arg682Cys) variant in gene has not been reported previously as a pathogenic variant nor as a benign variant, to our knowledge. The variant is reported with an allele frequency of 0.005% in the gnomAD exomes database and is novel (not in any individuals) in 1000 Genomes database. This variant has not been reported to the ClinVar database. The amino acid change p.Arg682Cys in PIDD1 is predicted as conserved by GERP++ and PhyloP across 100 vertebrates. The amino acid Arg at position 682 is changed to a Cys changing protein sequence and it might alter its composition and physico-chemical properties. For these reasons, this variant has been classified as Variant of Uncertain Significance (VUS).